The following is an entry in ClinVar:

ClinVar aggregate classification (germline): Uncertain significance (1 of 4 stars; one submission).

Conditions:
Primary dilated cardiomyopathy (DCM). Also called: Dilated Cardiomyopathy. Identifiers: Orphanet 217604, MedGen C0007193, MeSH D002311, MONDO:0005021, HP:0001644. Inheritance: Various modes of inheritance.

Submission:

Labcorp Genetics (formerly Invitae), Labcorp
Classification: Uncertain significance for Primary dilated cardiomyopathy. Last evaluated: 2024-11-14. Review status: criteria provided, single submitter. Criteria: Invitae Variant Classification Sherloc (09022015). Collection method: clinical testing. Allele origin: germline.
Comment: This sequence change replaces glutamic acid, which is acidic and polar, with valine, which is neutral and non-polar, at codon 430 of the NEBL protein (p.Glu430Val). This variant is not present in population databases (gnomAD no frequency). This variant has not been reported in the literature in individuals affected with NEBL-related conditions. An algorithm developed to predict the effect of missense changes on protein structure and function (PolyPhen-2) suggests that this variant is likely to be disruptive. In summary, the available evidence is currently insufficient to determine the role of this variant in disease. Therefore, it has been classified as a Variant of Uncertain Significance.

NM_006393.3(NEBL):c.1289A>T (p.Glu430Val)

Gene: NEBL (nebulette; minus strand). Cytogenetic location: 10p12.31.
Variant type: single nucleotide variant.
Coding change: c.1289A>T on transcript NM_006393.3 (MANE Select); coding-DNA position 1289, A replaced by T.
Protein change: p.Glu430Val; replaces glutamic acid 430 with valine.
Molecular consequence: missense variant. On other transcripts: intron variant (9).
Genome position (GRCh38, 1-based): chr10:20,840,788, T>A on the plus strand (A>T on the coding strand, the complement: NEBL is on the minus strand). VCF-style: chr10-20840788-T-A. GRCh37 (hg19) VCF-style: chr10-21129717-T-A.
Other names: c.250-27848A>T (NM_001377327.1, NM_001377328.1, NM_001377326.1); c.358-27848A>T (NM_213569.2, NM_001173484.2, NM_001377322.1); c.301-27848A>T (NM_001377324.1); c.292-27848A>T (NM_001377325.1); c.310-27848A>T (NM_001377323.1); short protein forms E430V.
Identifiers: ClinVar variation 3675488 (VCV003675488.2).